The following continues an entry in ClinVar:

NM_000051.4(ATM):c.8592C>T (p.Tyr2864=)

ClinVar aggregate classification (germline): Benign/Likely benign. Benign (8); Likely benign (11).

Submissions 22 to 29 of 29:

Clinical Genetics Laboratory, Department of Pathology, Netherlands Cancer Institute
Classification: Likely benign. Review status: no assertion criteria provided. Collection method: clinical testing. Allele origin: germline. Affected: yes. Study: VKGL Data-share Consensus. Not counted in ClinVar's aggregate classification.

Clinical Genetics, Academic Medical Center
Classification: Likely benign. Review status: no assertion criteria provided. Collection method: clinical testing. Allele origin: germline. Affected: yes. Study: VKGL Data-share Consensus. Not counted in ClinVar's aggregate classification.

Department of Pathology and Laboratory Medicine, Sinai Health System
Classification: Likely benign for Malignant tumor of breast. Review status: no assertion criteria provided. Collection method: clinical testing. Allele origin: unknown. Affected: yes. Observed: 2 variant alleles. Study: The Canadian Open Genetics Repository (COGR). Not counted in ClinVar's aggregate classification.
Comment: The ATM p.Tyr2864= variant was identified in 6 of 5506 proband chromosomes (frequency: 0.001) from individuals or families with CLL, breast, or ovarian cancer (Bernstein 2010, Petereit 2013, Skowronska 2012, Thorstenson 2003). The variant was also identified in dbSNP (ID: rs56025670) as "With Likely benign allele ", ClinVar (classified as benign by GeneDx; as likely benign by Invitae, Ambry Genetics, Color Genomics, and Integrated Genetics/Laboratory Corporation of America), and in LOVD 3.0 (1x as likely benign). The variant was not identified in COGR, or Cosmic databases. The variant was identified in control databases in 124 of 275644 chromosomes at a frequency of 0.0005 increasing the likelihood this could be a low frequency benign variant (Genome Aggregation Database Feb 27, 2017). The variant was observed in the following populations: African in 5 of 23944 chromosomes (freq: 0.0002), Other in 1 of 6422 chromosomes (freq: 0.0002), Latino in 5 of 34318 chromosomes (freq: 0.0002), European in 113 of 125504 chromosomes (freq: 0.0009), while the variant was not observed in the Ashkenazi Jewish, East Asian, European Finnish, or South Asian populations. The p.Tyr2864= variant is not expected to have clinical significance because it does not result in a change of amino acid and is not located in a known consensus splice site. In addition, in silico or computational prediction software programs (SpliceSiteFinder, MaxEntScan, NNSPLICE, GeneSplicer) do not predict a difference in splicing. In summary, based on the above information the clinical significance of this variant cannot be determined with certainty at this time although we would lean towards a more benign role for this variant. This variant is classified as likely benign.

Diagnostic Laboratory, Department of Genetics, University Medical Center Groningen
Classification: Likely benign. Review status: no assertion criteria provided. Collection method: clinical testing. Allele origin: germline. Affected: yes. Study: VKGL Data-share Consensus. Not counted in ClinVar's aggregate classification.

Genome Diagnostics Laboratory, Amsterdam University Medical Center
Classification: Likely benign. Review status: no assertion criteria provided. Collection method: clinical testing. Allele origin: germline. Affected: yes. Study: VKGL Data-share Consensus. Not counted in ClinVar's aggregate classification.

Genome Diagnostics Laboratory, University Medical Center Utrecht
Classification: Likely benign. Review status: no assertion criteria provided. Collection method: clinical testing. Allele origin: germline. Affected: yes. Study: VKGL Data-share Consensus. Not counted in ClinVar's aggregate classification.

Joint Genome Diagnostic Labs from Nijmegen and Maastricht, Radboudumc and MUMC+
Classification: Likely benign. Review status: no assertion criteria provided. Collection method: clinical testing. Allele origin: germline. Affected: yes. Study: VKGL Data-share Consensus. Not counted in ClinVar's aggregate classification.

Laboratory of Diagnostic Genome Analysis, Leiden University Medical Center (LUMC)
Classification: Likely benign. Review status: no assertion criteria provided. Collection method: clinical testing. Allele origin: germline. Affected: yes. Study: VKGL Data-share Consensus. Not counted in ClinVar's aggregate classification.

Literature cited by the submitters: PubMed 17344846 (cited by Women's Health and Genetics/Laboratory Corporation of America, LabCorp); PubMed 12810666 (cited by 3 submitters); PubMed 21933854 (cited by Women's Health and Genetics/Laboratory Corporation of America, LabCorp and Athena Diagnostics); PubMed 24416720 (cited by Women's Health and Genetics/Laboratory Corporation of America, LabCorp and Athena Diagnostics); PubMed 20305132 (cited by Women's Health and Genetics/Laboratory Corporation of America, LabCorp); PubMed 28779002 (cited by Athena Diagnostics).